The following is an entry in ClinVar:

ClinVar aggregate classification (germline): Uncertain significance (1 of 4 stars; one submission).

Submission:

Labcorp Genetics (formerly Invitae), Labcorp
Classification: Uncertain significance. Last evaluated: 2026-01-20. Review status: criteria provided, single submitter. Criteria: Invitae Variant Classification Sherloc (09022015). Collection method: clinical testing. Allele origin: germline.
Comment: This sequence change replaces histidine, which is basic and polar, with aspartic acid, which is acidic and polar, at codon 133 of the UBR1 protein (p.His133Asp). This variant is not present in population databases (gnomAD no frequency). This variant has not been reported in the literature in individuals affected with UBR1-related conditions. Invitae Evidence Modeling of protein sequence and biophysical properties (such as structural, functional, and spatial information, amino acid conservation, physicochemical variation, residue mobility, and thermodynamic stability) indicates that this missense variant is expected to disrupt UBR1 protein function with a positive predictive value of 80%. In summary, the available evidence is currently insufficient to determine the role of this variant in disease. Therefore, it has been classified as a Variant of Uncertain Significance.

NM_174916.3(UBR1):c.397C>G (p.His133Asp)

Gene: UBR1 (ubiquitin protein ligase E3 component n-recognin 1; minus strand). Cytogenetic location: 15q15.2.
Variant type: single nucleotide variant.
Coding change: c.397C>G on transcript NM_174916.3 (MANE Select); coding-DNA position 397, C replaced by G.
Protein change: p.His133Asp; replaces histidine 133 with aspartic acid.
Molecular consequence: missense variant.
Genome position (GRCh38, 1-based): chr15:43,082,658, G>C on the plus strand (C>G on the coding strand, the complement: UBR1 is on the minus strand). VCF-style: chr15-43082658-G-C. GRCh37 (hg19) VCF-style: chr15-43374856-G-C.
Other names: short protein forms H133D.
Identifiers: ClinVar variation 4739491 (VCV004739491.1).